The following is an entry in ClinVar:

ClinVar aggregate classification (germline): Likely pathogenic (1 of 4 stars; one submission).

Conditions:
Hereditary acrodermatitis enteropathica (AEZ). Also called: Acrodermatitis enteropathica. Identifiers: Orphanet 37, MedGen C0221036, MONDO:0008713, OMIM 201100.

Submission:

Natera, Inc.
Classification: Likely pathogenic for Acrodermatitis enteropathica. Last evaluated: 2025-06-03. Review status: criteria provided, single submitter. Criteria: Natera Variant Classification Schema (03/2026). Collection method: clinical testing. Allele origin: germline.
Comment: The c.205G>T variant in SLC39A4 is a nonsense variant predicted to introduce a stop codon at amino acid 69. This variant is expected to result in nonsense mediated decay, truncation, or a dysfunctional protein product. This variant is rare in the general population with a frequency below the threshold expected for the associated phenotype(s). Given the available evidence, this variant is classified as Likely Pathogenic.

NM_130849.4(SLC39A4):c.205G>T (p.Glu69Ter)

Gene: SLC39A4 (solute carrier family 39 member 4; minus strand). Cytogenetic location: 8q24.3.
Variant type: single nucleotide variant.
Coding change: c.205G>T on transcript NM_130849.4 (MANE Select); coding-DNA position 205, G replaced by T.
Protein change: p.Glu69Ter; replaces glutamic acid 69 with a stop codon.
Molecular consequence: nonsense. On other transcripts: intron variant (1).
Genome position (GRCh38, 1-based): chr8:144,416,079, C>A on the plus strand (G>T on the coding strand, the complement: SLC39A4 is on the minus strand). VCF-style: chr8-144416079-C-A. GRCh37 (hg19) VCF-style: chr8-145641463-C-A.
Other names: c.130G>T, p.Glu44Ter (NM_017767.3); c.192+519G>T (NM_001374839.1); short protein forms E44*, E69*.
Identifiers: ClinVar variation 4816461 (VCV004816461.1).